The following is an entry in ClinVar:

NM_000081.4(LYST):c.4566A>C (p.Ala1522=)

Gene: LYST (lysosomal trafficking regulator; minus strand). Cytogenetic location: 1q42.3.
Variant type: single nucleotide variant.
Coding change: c.4566A>C on transcript NM_000081.4 (MANE Select); coding-DNA position 4566, A replaced by C.
Protein change: p.Ala1522=; no amino-acid change (alanine 1522 retained).
Molecular consequence: synonymous variant.
Genome position (GRCh38, 1-based): chr1:235,788,823, T>G on the plus strand (A>C on the coding strand, the complement: LYST is on the minus strand). VCF-style: chr1-235788823-T-G. GRCh37 (hg19) VCF-style: chr1-235952123-T-G.
Other names: c.4566A>C, p.Ala1522= (NM_001301365.1).
Identifiers: ClinVar variation 296396 (VCV000296396.18), dbSNP rs142344106, ClinGen allele CA1466801.

ClinVar aggregate classification (germline): Conflicting classifications of pathogenicity. Review status: criteria provided, conflicting classifications (1 of 4 stars). 4 submissions from 4 submitters: Uncertain significance (1); Likely benign (2). 1 of the submissions does not count toward it. Last evaluated 2026-02-04.

Conditions:
LYST-related disorder. Also called: LYST-related condition.
Chédiak-Higashi syndrome (CHS). Also called: Chediak-Higashi Syndrome. Identifiers: Orphanet 167, MedGen C0007965, MONDO:0008963, OMIM 214500.

Allele frequency attached by ClinVar (database versions not stated): gnomAD 0.00003; gnomAD exomes 0.00018; ExAC 0.00022; 1000 Genomes Project 30x 0.00109; 1000 Genomes Project 0.00140.
gnomAD v4.1: 149 of 1,613,816 alleles (0.0092%); highest among the groups gnomAD compares: South Asian, 0.16%; 5 homozygotes.

Submissions (4):

Labcorp Genetics (formerly Invitae), Labcorp
Classification: Likely benign for Chédiak-Higashi syndrome. Last evaluated: 2026-02-04. Review status: criteria provided, single submitter. Criteria: Invitae Variant Classification Sherloc (09022015). Collection method: clinical testing. Allele origin: germline.

Blueprint Genetics
Classification: Likely benign. Last evaluated: 2023-01-27. Review status: criteria provided, single submitter. Criteria: ACMG Guidelines, 2015. Collection method: clinical testing. Allele origin: germline.

Illumina Laboratory Services, Illumina
Classification: Uncertain significance for Chédiak-Higashi syndrome. Last evaluated: 2018-01-13. Review status: criteria provided, single submitter. Criteria: ICSL Variant Classification Criteria 13 December 2019. Collection method: clinical testing. Allele origin: germline.

PreventionGenetics, part of Exact Sciences
Classification: Likely benign for LYST-related condition. Last evaluated: 2019-07-01. Review status: no assertion criteria provided. Collection method: clinical testing. Allele origin: germline. Not counted in ClinVar's aggregate classification.
Comment: This variant is classified as likely benign based on ACMG/AMP sequence variant interpretation guidelines (Richards et al. 2015 PMID: 25741868, with internal and published modifications).